The following is an entry in ClinVar:

ClinVar aggregate classification (germline): Benign/Likely benign. Review status: criteria provided, multiple submitters, no conflicts (2 of 4 stars). 4 submissions from 4 submitters: Benign (2); Likely benign (2). Last evaluated 2025-12-26.

Allele frequency attached by ClinVar (database versions not stated): gnomAD exomes 0.00032 and 0.00081; ExAC 0.00099; 1000 Genomes Project 0.00180; 1000 Genomes Project 30x 0.00234; gnomAD 0.00351 and 0.00377; ESP Exome Variant Server 0.00355; TOPMed 0.00402.
gnomAD v4.1: 1,034 of 1,613,152 alleles (0.064%); highest among the groups gnomAD compares: African/African-American, 1.2%; 6 homozygotes.

Submissions (4):

Labcorp Genetics (formerly Invitae), Labcorp
Classification: Benign. Last evaluated: 2025-12-26. Review status: criteria provided, single submitter. Criteria: Invitae Variant Classification Sherloc (09022015). Collection method: clinical testing. Allele origin: germline.

Blueprint Genetics
Classification: Likely benign. Last evaluated: 2024-07-18. Review status: criteria provided, single submitter. Criteria: ACMG Guidelines, 2015. Collection method: clinical testing. Allele origin: germline.

GeneDx
Classification: Likely benign. Last evaluated: 2019-07-12. Review status: criteria provided, single submitter. Criteria: GeneDx Variant Classification Process June 2021. Collection method: clinical testing. Allele origin: germline. Affected: yes.
Comment: See Variant Classification Assertion Criteria.

Breakthrough Genomics
Classification: Benign. Review status: criteria provided, single submitter. Criteria: ACMG Guidelines, 2015. Collection method: not provided. Allele origin: germline. Inheritance: Autosomal recessive inheritance. Affected: yes.

NM_001013703.4(EIF2AK4):c.3147C>T (p.Ser1049=)

Gene: EIF2AK4 (eukaryotic translation initiation factor 2 alpha kinase 4; plus strand). Cytogenetic location: 15q15.1.
Variant type: single nucleotide variant.
Coding change: c.3147C>T on transcript NM_001013703.4 (MANE Select); coding-DNA position 3147, C replaced by T.
Protein change: p.Ser1049=; no amino-acid change (serine 1049 retained).
Molecular consequence: synonymous variant.
Genome position (GRCh38, 1-based): chr15:40,001,212, C>T. VCF-style: chr15-40001212-C-T. GRCh37 (hg19) VCF-style: chr15-40293413-C-T.
Identifiers: ClinVar variation 784614 (VCV000784614.11), dbSNP rs61730023, ClinGen allele CA7474248.